The following is an entry in ClinVar:

ClinVar aggregate classification (germline): Likely benign (1 of 4 stars; one submission).

Submission:

CeGaT Center for Human Genetics Tuebingen
Classification: Likely benign. Last evaluated: 2026-09-01. Review status: criteria provided, single submitter. Criteria: CeGaT Center For Human Genetics Tuebingen Variant Classification Criteria Version 2. Collection method: clinical testing. Allele origin: germline. Affected: yes. Observed: 1 variant allele.
Comment: ASH1L: PM2:Supporting, BP4, BP7

NM_018489.3(ASH1L):c.3156T>C (p.Gly1052=)

Gene: ASH1L (ASH1 like histone lysine methyltransferase; minus strand). Cytogenetic location: 1q22.
Variant type: single nucleotide variant.
Coding change: c.3156T>C on transcript NM_018489.3 (MANE Select); coding-DNA position 3156, T replaced by C.
Protein change: p.Gly1052=; no amino-acid change (glycine 1052 retained).
Molecular consequence: synonymous variant.
Genome position (GRCh38, 1-based): chr1:155,479,714, A>G on the plus strand (T>C on the coding strand, the complement: ASH1L is on the minus strand). VCF-style: chr1-155479714-A-G. GRCh37 (hg19) VCF-style: chr1-155449505-A-G.
Other names: c.3156T>C, p.Gly1052= (NM_001366177.2).
Identifiers: ClinVar variation 5041403 (VCV005041403.1).